The following is an entry in ClinVar:

ClinVar aggregate classification (germline): Uncertain significance. Review status: criteria provided, multiple submitters, no conflicts (2 of 4 stars). 2 submissions from 2 submitters: Uncertain significance (2). Last evaluated 2025-12-03.

Conditions:
Inborn genetic diseases. Identifiers: MedGen C0950123, MeSH D030342.

Allele frequency attached by ClinVar (database versions not stated): ExAC 0.00007; gnomAD exomes 0.00009; TOPMed 0.00009; gnomAD 0.00012; ESP Exome Variant Server 0.00008.
gnomAD v4.1: 143 of 1,613,136 alleles (0.0089%); highest among the groups gnomAD compares: Admixed American, 0.02%; no homozygotes.

Submissions (2):

Ambry Genetics
Classification: Uncertain significance for Inborn genetic diseases. Last evaluated: 2025-12-03. Review status: criteria provided, single submitter. Criteria: Ambry Variant Classification Scheme 2023. Collection method: clinical testing. Allele origin: germline.

Labcorp Genetics (formerly Invitae), Labcorp
Classification: Uncertain significance. Last evaluated: 2022-03-01. Review status: criteria provided, single submitter. Criteria: Invitae Variant Classification Sherloc (09022015). Collection method: clinical testing. Allele origin: germline.
Comment: This sequence change replaces glutamic acid, which is acidic and polar, with aspartic acid, which is acidic and polar, at codon 23 of the AIMP1 protein (p.Glu23Asp). This variant is present in population databases (rs369984537, gnomAD 0.02%). This variant has not been reported in the literature in individuals affected with AIMP1-related conditions. Algorithms developed to predict the effect of missense changes on protein structure and function output the following: SIFT: "Tolerated"; PolyPhen-2: "Benign"; Align-GVGD: "Class C0". The aspartic acid amino acid residue is found in multiple mammalian species, which suggests that this missense change does not adversely affect protein function. In summary, the available evidence is currently insufficient to determine the role of this variant in disease. Therefore, it has been classified as a Variant of Uncertain Significance.

NM_001142416.2(AIMP1):c.69A>C (p.Glu23Asp)

Gene: AIMP1 (aminoacyl tRNA synthetase complex interacting multifunctional protein 1; plus strand). Cytogenetic location: 4q24.
Variant type: single nucleotide variant.
Coding change: c.69A>C on transcript NM_001142416.2 (MANE Select); coding-DNA position 69, A replaced by C.
Protein change: p.Glu23Asp; replaces glutamic acid 23 with aspartic acid.
Molecular consequence: missense variant.
Genome position (GRCh38, 1-based): chr4:106,325,078, A>C. VCF-style: chr4-106325078-A-C. GRCh37 (hg19) VCF-style: chr4-107246235-A-C.
Other names: c.69A>C, p.Glu23Asp (NM_001142415.2, NM_004757.4); c.69A>C (NM_004757.3); short protein forms E23D.
Identifiers: ClinVar variation 2169401 (VCV002169401.2), dbSNP rs369984537, ClinGen allele CA3035611.